The following is an entry in ClinVar:

NM_002971.6(SATB1):c.1427C>T (p.Thr476Ile)

Gene: SATB1 (SATB homeobox 1; minus strand). Cytogenetic location: 3p24.3.
Variant type: single nucleotide variant.
Coding change: c.1427C>T on transcript NM_002971.6 (MANE Select); coding-DNA position 1427, C replaced by T.
Protein change: p.Thr476Ile; replaces threonine 476 with isoleucine.
Molecular consequence: missense variant.
Genome position (GRCh38, 1-based): chr3:18,378,318, G>A on the plus strand (C>T on the coding strand, the complement: SATB1 is on the minus strand). VCF-style: chr3-18378318-G-A. GRCh37 (hg19) VCF-style: chr3-18419810-G-A.
Other names: c.1427C>T, p.Thr476Ile (NM_001131010.4, NM_001195470.3, NM_001322871.2 and 4 more transcripts); c.1211C>T, p.Thr404Ile (NM_001322876.2); short protein forms T404I, T476I.
Identifiers: ClinVar variation 4082872 (VCV004082872.1).
Genomic context (GRCh38, chr3:18,378,318, plus strand): 5'-GCATTAATGTTCATGGTATTGTTCTCTGGTTTCCCATTCCTTTCAGTGGCAATAGTAGCT[G>A]TTTTCACCTACAAAACATTTTGAACATGGCTGTCATTTTTCATTGGCTGAATTGTTTTGA-3'
Protein context (NP_002962.1, residues 466-486): TPPSRPPQVK[Thr476Ile]ATIATERNGK

ClinVar aggregate classification (germline): Uncertain significance (1 of 4 stars; one submission).

Submission:

GeneDx
Classification: Uncertain significance. Last evaluated: 2025-03-12. Review status: criteria provided, single submitter. Criteria: GeneDx Variant Classification Process June 2021. Collection method: clinical testing. Allele origin: germline. Affected: yes.
Comment: Not observed at significant frequency in large population cohorts (gnomAD); In silico analysis indicates that this missense variant does not alter protein structure/function; Has not been previously published as pathogenic or benign to our knowledge